The following is an entry in ClinVar:

ClinVar aggregate classification (germline): Pathogenic/Likely pathogenic. Review status: criteria provided, multiple submitters, no conflicts (2 of 4 stars). 2 submissions from 2 submitters: Pathogenic (1); Likely pathogenic (1). Last evaluated 2026-01-13.

Conditions:
CEP78-related disorder. Also called: CEP78-related condition.

Allele frequency attached by ClinVar (database versions not stated): gnomAD 0.00001; gnomAD exomes 0.00001; TOPMed 0.00001; ExAC 0.00002.
gnomAD v4.1: 11 of 1,601,830 alleles (0.00069%); highest among the groups gnomAD compares: South Asian, 0.0011%; no homozygotes.

Submissions (2):

Labcorp Genetics (formerly Invitae), Labcorp
Classification: Pathogenic. Last evaluated: 2026-01-13. Review status: criteria provided, single submitter. Criteria: Invitae Variant Classification Sherloc (09022015). Collection method: clinical testing. Allele origin: germline.
Comment: This sequence change creates a premature translational stop signal (p.Gln26*) in the CEP78 gene. It is expected to result in an absent or disrupted protein product. Loss-of-function variants in CEP78 are known to be pathogenic (PMID: 27588451, 27588452, 32531858, 33879512, 34223797, 35240912, 37734845, 38780195). The frequency data for this variant in the population databases is considered unreliable, as metrics indicate poor data quality at this position in the gnomAD database. This variant has not been reported in the literature in individuals affected with CEP78-related conditions. ClinVar contains an entry for this variant (Variation ID: 867122). For these reasons, this variant has been classified as Pathogenic.

Blueprint Genetics
Classification: Likely pathogenic for CEP78-related disorders. Last evaluated: 2023-11-22. Review status: criteria provided, single submitter. Criteria: ACMG Guidelines, 2015. Collection method: clinical testing. Allele origin: germline. Affected: yes. Observed: 5 variant alleles.

Literature cited by the submitters: PubMed 27588451 (cited by Labcorp Genetics (formerly Invitae), Labcorp); PubMed 27588452 (cited by Labcorp Genetics (formerly Invitae), Labcorp); PubMed 32531858 (cited by Labcorp Genetics (formerly Invitae), Labcorp); PubMed 33879512 (cited by Labcorp Genetics (formerly Invitae), Labcorp); PubMed 34223797 (cited by Labcorp Genetics (formerly Invitae), Labcorp); PubMed 35240912 (cited by Labcorp Genetics (formerly Invitae), Labcorp); PubMed 37734845 (cited by Labcorp Genetics (formerly Invitae), Labcorp); PubMed 38780195 (cited by Labcorp Genetics (formerly Invitae), Labcorp).

NM_001330691.3(CEP78):c.76C>T (p.Gln26Ter)

Gene: CEP78 (centrosomal protein 78; plus strand). Cytogenetic location: 9q21.2.
Variant type: single nucleotide variant.
Coding change: c.76C>T on transcript NM_001330691.3 (MANE Select); coding-DNA position 76, C replaced by T.
Protein change: p.Gln26Ter; replaces glutamine 26 with a stop codon.
Molecular consequence: nonsense.
Genome position (GRCh38, 1-based): chr9:78,236,426, C>T. VCF-style: chr9-78236426-C-T. GRCh37 (hg19) VCF-style: chr9-80851342-C-T.
Other names: c.76C>T, p.Gln26Ter (NM_001098802.3, NM_001330693.3, NM_001330694.2 and 4 more transcripts); short protein forms Q26*.
Identifiers: ClinVar variation 867122 (VCV000867122.7), dbSNP rs776271026, ClinGen allele CA5094798.
Genomic context (GRCh38, chr9:78,236,426, plus strand): 5'-AAGCTGCGCCGCGACAGCGCGGCGGACTTCTTCTCCCACTACGAGTACCTGTGCGCGCTG[C>T]AGAACTCGGTGCCGCTGCCCGCCGTGCGCGCCTGTCTCCGGGAGGGCGTGCTGGATTTCA-3'